The following is an entry in ClinVar:

ClinVar aggregate classification (germline): Likely benign. Review status: criteria provided, multiple submitters, no conflicts (2 of 4 stars). 2 submissions from 2 submitters: Likely benign (2). Last evaluated 2024-11-11.

Conditions:
XYLT1-related disorder. Also called: XYLT1-related condition.

Submissions (2):

Blueprint Genetics
Classification: Likely benign. Last evaluated: 2024-11-11. Review status: criteria provided, single submitter. Criteria: ACMG Guidelines, 2015. Collection method: clinical testing. Allele origin: germline.

PreventionGenetics, part of Exact Sciences
Classification: Likely benign for XYLT1-related condition. Last evaluated: 2024-10-15. Review status: criteria provided, single submitter. Criteria: ACMG Guidelines, 2015. Collection method: clinical testing. Allele origin: germline.
Comment: This variant is classified as likely benign based on ACMG/AMP sequence variant interpretation guidelines (Richards et al. 2015 PMID: 25741868, with internal and published modifications).

NM_022166.4(XYLT1):c.234AGG[4] (p.Gly90del)

Gene: XYLT1 (xylosyltransferase 1; minus strand). Cytogenetic location: 16p12.3.
Variant type: Microsatellite.
Coding change: c.234AGG[4] on transcript NM_022166.4 (MANE Select); four copies in a row of the 3-base unit AGG starting at c.234; the reference has five copies in a row; one copy, 3 bases deleted.
Protein change: p.Gly90del; deletes glycine 90.
Genome position (GRCh38, 1-based): chr16:17,470,549-17,470,551, CCT deleted on the plus strand (AGG on the coding strand, the reverse complement: XYLT1 is on the minus strand); deleting any 3 consecutive bases within chr16:17,470,549-17,470,564 gives the same sequence; the position shown is the placement nearest the transcript's 3' end. VCF-style (leftmost placement, unchanged base first): chr16-17470548-GCCT-G. GRCh37 (hg19) VCF-style: chr16-17564405-GCCT-G.
Other names: c.246_248delAGG (NM_022166.3); short protein forms G90del.
Identifiers: ClinVar variation 4928845 (VCV004928845.2).